The following is an entry in ClinVar:

NM_000489.6(ATRX):c.7406C>T (p.Pro2469Leu)

Gene: ATRX (ATRX chromatin remodeler; minus strand). Cytogenetic location: Xq21.1.
Variant type: single nucleotide variant.
Coding change: c.7406C>T on transcript NM_000489.6 (MANE Select); coding-DNA position 7406, C replaced by T.
Protein change: p.Pro2469Leu; replaces proline 2469 with leucine.
Molecular consequence: missense variant.
Genome position (GRCh38, 1-based): chrX:77,508,424, G>A on the plus strand (C>T on the coding strand, the complement: ATRX is on the minus strand). VCF-style: chrX-77508424-G-A. GRCh37 (hg19) VCF-style: chrX-76763902-G-A.
Other names: c.7292C>T, p.Pro2431Leu (NM_138270.5); short protein forms P2431L, P2469L.
Identifiers: ClinVar variation 2663447 (VCV002663447.1), dbSNP rs782445691, ClinGen allele CA413703844.

ClinVar aggregate classification (germline): Uncertain significance (1 of 4 stars; one submission).

Submission:

GeneDx
Classification: Uncertain significance. Last evaluated: 2023-05-02. Review status: criteria provided, single submitter. Criteria: GeneDx Variant Classification Process June 2021. Collection method: clinical testing. Allele origin: germline. Affected: yes.
Comment: Not observed at significant frequency in large population cohorts (gnomAD); In silico analysis supports that this missense variant does not alter protein structure/function; Has not been previously published as pathogenic or benign to our knowledge